The following is an entry in ClinVar:

ClinVar aggregate classification (germline): Likely benign (1 of 4 stars; one submission).

Allele frequency attached by ClinVar (database versions not stated): gnomAD 0.03838 and 0.04136; TOPMed 0.04333; 1000 Genomes Project 30x 0.06184; 1000 Genomes Project 0.06330.
gnomAD v4.1: 6,304 of 152,248 alleles (4.1%); highest among the groups gnomAD compares: East Asian, 12%; 196 homozygotes.

Submission:

GeneDx
Classification: Likely benign. Last evaluated: 2018-06-16. Review status: criteria provided, single submitter. Criteria: GeneDx Variant Classification (06012015). Collection method: clinical testing. Allele origin: germline. Affected: yes.
Comment: This variant is considered likely benign or benign based on one or more of the following criteria: it is a conservative change, it occurs at a poorly conserved position in the protein, it is predicted to be benign by multiple in silico algorithms, and/or has population frequency not consistent with disease.

NM_006996.3(SLC19A2):c.1365+196G>T

Gene: SLC19A2 (solute carrier family 19 member 2; minus strand). Cytogenetic location: 1q24.2.
Variant type: single nucleotide variant.
Coding change: c.1365+196G>T on transcript NM_006996.3 (MANE Select); 196 bases into the intron after coding-DNA position 1365, G replaced by T.
Molecular consequence: intron variant.
Genome position (GRCh38, 1-based): chr1:169,467,915, C>A on the plus strand (G>T on the coding strand, the complement: SLC19A2 is on the minus strand). VCF-style: chr1-169467915-C-A. GRCh37 (hg19) VCF-style: chr1-169437153-C-A.
Other names: c.762+196G>T (NM_001319667.1).
Identifiers: ClinVar variation 673628 (VCV000673628.1), dbSNP rs3765227, ClinGen allele CA10972726.